The following is an entry in ClinVar:

ClinVar aggregate classification (germline): Pathogenic/Likely pathogenic. Review status: criteria provided, multiple submitters, no conflicts (2 of 4 stars). 2 submissions from 2 submitters: Pathogenic (1); Likely pathogenic (1). Last evaluated 2022-06-09.

Conditions:
Early-infantile DEE. Also called: Early infantile epileptic encephalopathy; Early infantile epileptic encephalopathy with suppression bursts; Ohtahara syndrome. Identifiers: Orphanet 1934, MedGen C0393706, MONDO:0800491.
Cerebellar atrophy with seizures and variable developmental delay. Identifiers: MedGen C5193132, MONDO:0032788, OMIM 618501.

Submissions (2):

Labcorp Genetics (formerly Invitae), Labcorp
Classification: Pathogenic for Early-infantile DEE. Last evaluated: 2022-06-09. Review status: criteria provided, single submitter. Criteria: Invitae Variant Classification Sherloc (09022015). Collection method: clinical testing. Allele origin: germline.
Comment: For these reasons, this variant has been classified as Pathogenic. This variant has not been reported in the literature in individuals affected with CACNA2D2-related conditions. This variant is not present in population databases (gnomAD no frequency). This sequence change creates a premature translational stop signal (p.Leu882Thrfs*6) in the CACNA2D2 gene. It is expected to result in an absent or disrupted protein product. Loss-of-function variants in CACNA2D2 are known to be pathogenic (PMID: 24358150).

Juno Genomics, Hangzhou Juno Genomics, Inc
Classification: Likely pathogenic for Cerebellar atrophy with seizures and variable developmental delay. Review status: criteria provided, single submitter. Criteria: ACMG Guidelines, 2015. Collection method: clinical testing. Allele origin: germline.
Comment: Null variant in a gene where loss of function (LOF) is a known mechanism of disease.;Absent from controls (or at extremely low frequency if recessive) in Genome Aggregation Database.

Literature cited by the submitters: PubMed 24358150 (cited by Labcorp Genetics (formerly Invitae), Labcorp).

NM_006030.4(CACNA2D2):c.2643dup (p.Leu882fs)

Genes: CACNA2D2 (calcium voltage-gated channel auxiliary subunit alpha2delta 2; minus strand), LOC101928965 (uncharacterized LOC101928965; plus strand), LOC127898564 (CYB561D2-LOC101928965; plus strand). Cytogenetic location: 3p21.31.
Variant type: Duplication.
Coding change: c.2643dup on transcript NM_006030.4 (MANE Select); coding-DNA position 2643, one base duplicated (A; older notation c.2643dupA).
Protein change: p.Leu882fs; shifts the reading frame from leucine 882.
Molecular consequence: frameshift variant.
Genome position (GRCh38, 1-based): chr3:50,366,333, T duplicated on the plus strand (A on the coding strand, the reverse complement: CACNA2D2 is on the minus strand). VCF-style (leftmost placement, unchanged base first): chr3-50366332-G-GT. GRCh37 (hg19) VCF-style: chr3-50403763-G-GT.
Other names: c.2643dup, p.Leu882fs (NM_001005505.3); c.2664dup, p.Leu889fs (NM_001174051.3); c.2436dup, p.Leu813fs (NM_001291101.1); c.2646dup, p.Leu883Thrfs (NM_001410768.1); short protein forms L889fs, L813fs, L882fs.
Identifiers: ClinVar variation 2004098 (VCV002004098.6), dbSNP rs2470981573, ClinGen allele CA2580070131.
Genomic context (GRCh38, chr3:50,366,332, plus strand): 5'-CCCACTGATGGTTCTGGTTTGACAGCACCAGGAATCCTCCATCATCAATGAGGACACAGA[G>GT]TAAGTCCTAGGAGGAAGGGAATGGGGAGGAAAATGGAGAGGGGCTGGGCCCCGGACCTTC-3'